The following is an entry in ClinVar:

NM_000059.4(BRCA2):c.631G>A (p.Val211Ile)

Gene: BRCA2 (BRCA2 DNA repair associated; plus strand). Cytogenetic location: 13q13.1.
Variant type: single nucleotide variant.
Coding change: c.631G>A on transcript NM_000059.4 (MANE Select); coding-DNA position 631, G replaced by A.
Protein change: p.Val211Ile; replaces valine 211 with isoleucine.
Molecular consequence: missense variant.
Genome position (GRCh38, 1-based): chr13:32,326,613, G>A. VCF-style: chr13-32326613-G-A. GRCh37 (hg19) VCF-style: chr13-32900750-G-A.
Other names: short protein forms V211I.
Identifiers: ClinVar variation 52058 (VCV000052058.32), dbSNP rs80358871, ClinGen allele CA023869.
Genomic context (GRCh38, chr13:32,326,613, plus strand): 5'-GATATGTCTTGGTCAAGTTCTTTAGCTACACCACCCACCCTTAGTTCTACTGTGCTCATA[G>A]GTAATAATAGCAAATGTGTATTTACAAGAAAGAGCAGATGAGGTTGATAATTGTCATCTC-3'
Protein context (NP_000050.3, residues 201-221): PPTLSSTVLI[Val211Ile]RNEEASETVF

ClinVar aggregate classification (germline): Pathogenic. Review status: criteria provided, multiple submitters, no conflicts (2 of 4 stars). 15 submissions from 15 submitters: Pathogenic (10). 5 of the submissions do not count toward it. Last evaluated 2025-09-27.

Conditions:
Breast and/or ovarian cancer. Identifiers: MedGen CN221562.
Hereditary breast ovarian cancer syndrome. Also called: Hereditary breast and ovarian cancer syndrome; Hereditary breast and ovarian cancer; Hereditary breast and ovarian cancer syndrome (HBOC); Breast and ovarian cancer; Hereditary breast and/or ovarian cancer syndrome; BRCA1- and BRCA2-Associated Hereditary Breast and Ovarian Cancer. Identifiers: Orphanet 145, MedGen C0677776, MeSH D061325, MONDO:0003582. Disease mechanism: loss of function.
Hereditary cancer-predisposing syndrome. Also called: Neoplastic Syndromes, Hereditary; Tumor predisposition; Hereditary neoplastic syndrome; Hereditary Cancer Syndrome. Identifiers: Orphanet 140162, MedGen C0027672, MeSH D009386, MONDO:0015356.
Familial cancer of breast. Also called: BREAST CANCER, FAMILIAL; Hereditary breast cancer; hereditary breast carcinoma. Identifiers: Orphanet 227535, MedGen C0346153, MONDO:0016419, OMIM 114480. Disease mechanism: loss of function.
Breast-ovarian cancer, familial, susceptibility to, 2 (BROVCA2). Also called: BRCA2 Hereditary Breast and Ovarian Cancer. Identifiers: Orphanet 145, MedGen C2675520, MONDO:0012933, OMIM 612555. Disease mechanism: loss of function.

gnomAD v4.1: 1 of 1,576,548 alleles (0.000063%); highest among the groups gnomAD compares: Non-Finnish European, 0.000087%; no homozygotes.

Submissions 1 to 5 of 15:

Labcorp Genetics (formerly Invitae), Labcorp
Classification: Pathogenic for Hereditary breast ovarian cancer syndrome. Last evaluated: 2025-09-27. Review status: criteria provided, single submitter. Criteria: Invitae Variant Classification Sherloc (09022015). Collection method: clinical testing. Allele origin: germline.
Comment: This sequence change replaces valine, which is neutral and non-polar, with isoleucine, which is neutral and non-polar, at codon 211 of the BRCA2 protein (p.Val211Ile). RNA analysis indicates that this missense change induces altered splicing and may result in an absent or altered protein product. This variant is not present in population databases (gnomAD no frequency). This missense change has been observed in individual(s) with BRCA2-related cancers. In some cases, this variant occurred on the same chromosome as the c.7008-2A>T variant (PMID: 19179552, 19423647, 21934105, 27125725, 30613976, 31336956, 32438681, 32853339, 33804961). This variant is also known as 859G>A. ClinVar contains an entry for this variant (Variation ID: 52058). An algorithm developed to predict the effect of missense changes on protein structure and function (PolyPhen-2) suggests that this variant is likely to be disruptive. Variants that disrupt the consensus splice site are a relatively common cause of aberrant splicing (PMID: 17576681, 9536098). Studies have shown that this missense change alters mRNA splicing and is expected to lead to the loss of protein expression (PMID: 19179552, 22962691, 23451180; internal data). For these reasons, this variant has been classified as Pathogenic.

Ambry Genetics
Classification: Pathogenic for Hereditary cancer-predisposing syndrome. Last evaluated: 2025-07-18. Review status: criteria provided, single submitter. Criteria: Ambry Variant Classification Scheme 2023. Collection method: clinical testing. Allele origin: germline.
Comment: ONLY INCLUDE IF PT HAS BOTH c.7008-2A>T and p.V211I (c.631G>A) BRCA2 VARIANTS The c.631G>A pathogenic mutation (also known as p.V211I and 859G>A), located in coding exon 6 of the BRCA2 gene, results from a G to A substitution at nucleotide position 631. The amino acid change results in valine to isoleucine at codon 211, an amino acid with highly similar properties; however, this change occurs in the last base pair of coding exon 6, which makes it likely to have some effect on normal mRNA splicing. The c.7008-2A>T (also known as IVS13-2A>T) intronic pathogenic mutation results from an A to T substitution two nucleotides before coding exon 13 in the BRCA2 gene. The c.631G>A and c.7008-2A>T alterations have been identified in cis in multiple individuals and families with HBOC (Gaildrat PJ et al. Med. Genet. 2012 Oct;49(10):609-17; Pensabene M et al. Ann. Oncol. 2009 May;20(5):874-8; Colombo M et al. Ann. Oncol. 2009 Jun;20(6):1143-4). These alterations have also been identified in cis in one individual with pancreatic adenocarcinoma (Lowery MA et al. Oncologist 2011;16(10):1397-402). Functional studies have demonstrated that the c.631G>A alteration leads to the skipping of coding exon 6, leading to a frameshift and alternate stop in coding exon 8 (Ambry internal data; Pensabene M et al. Ann. Oncol. 2009 May;20(5):874-8; Colombo M et al. Ann. Oncol. 2009 Jun;20(6):1143-4). Functional studies have also demonstrated that the c.7008-2A>T alteration leads to multiple transcripts of different lengths, most of which lead to a frameshift and alternate stop codon (Ambry internal data; Pensabene M et al. Ann. Oncol. 2009 May;20(5):874-8; Colombo M et al. Ann. Oncol. 2009 Jun;20(6):1143-4; Houdayer C et al. Hum. Mutat. 2012 Aug;33(8):1228-38; Colombo M et al. PLoS ONE 2013;8(2):e57173). Based on the available evidence, the mutations c.631G>A and c.7008-2A>T are classified as a pathogenic haplotype.

Color Diagnostics, LLC DBA Color Health
Classification: Pathogenic for Hereditary cancer-predisposing syndrome. Last evaluated: 2025-03-10. Review status: criteria provided, single submitter. Criteria: ACMG Guidelines, 2015. Collection method: clinical testing. Allele origin: germline.
Comment: This variant alters the last nucleotide of BRCA2 exon 7 from c.G to c.A. Splice site prediction tools suggest that this variant may have a significant impact on RNA splicing. RNA studies using patient-derived cells (PMID 19179552, 19423647, 23451180) and a mini-gene splicing assay (PMID: 22962691) have demonstrated that this variant causes a complete skipping of exon 7 and premature truncation. This variant has been reported in an individual affected with bilateral breast and ovarian cancer with family history of ovarian cancer and pancreatic cancer in the paternal grandmother and father, respectively (PMID: 27125725). This variant has not been identified in the general population by the Genome Aggregation Database (gnomAD). Based on available evidence, this variant is classified as Pathogenic. This variant also has been reported to co-occur with c.7008-2A>T in the BRCA2 gene in at least seven unrelated European individuals affected with breast/ovarian cancer (PMID: 19179552, 19423647, 23451180, 27125725, 31336956) and in an individual affected with pancreatic adenocarcinoma (PMID: 21934105). In six of the individuals affected with breast/ovarian cancer, these variants were reported to occur on the same chromosome (in cis phase) determined in part by retro-transcription analysis or segregation analysis in family studies (PMID: 19179552, 19423647, 22962691, 31336956). For several individuals who carried both variants (PMID: 21934105; Color internal data), the phase of the two variants has not been determined. These two variants have not been reported in trans in the literature. Therefore, although this test cannot distinguish if c.631G>A and c.7008-2A>T variants occur on the same chromosome (in cis) or on opposite chromosomes (in trans), it is likely that these variants are in cis when found together in an individual. Medical management should be considered based on the patient's personal and family history.

Women's Health and Genetics/Laboratory Corporation of America, LabCorp
Classification: Pathogenic for Hereditary breast ovarian cancer syndrome. Last evaluated: 2023-08-17. Review status: criteria provided, single submitter. Criteria: LabCorp Variant Classification Summary - May 2015. Collection method: clinical testing. Allele origin: germline.
Comment: Variant summary: BRCA2 c.631G>A (p.Val211Ile) results in a conservative amino acid change in the encoded protein sequence. Four of five in-silico tools predict a benign effect of the variant on protein function. However, this variant disrupts the last nucleotide of exon 7, and therefore can affect splicing. Several computational tools predict a significant impact on normal splicing: three predict the variant abolishes a 5' splicing donor site and one predicts the variant weakens the same 5' donor site. Several publications report experimental evidence that this variant disrupts mRNA splicing, leading to skipping or shortening of exon 7 (e.g., Pensabene_2009, Colombo_2009, Gaildrat_2012). The variant was absent in 250814 control chromosomes (gnomAD). c.631G>A has been reported in the literature in multiple individuals affected with Hereditary Breast And Ovarian Cancer Syndrome (e.g., Azzollini_2016, Bayraktar_2012, Colombo_2009, Diez_2009, Evans_2003, Gaildrat_2012, Pensabene_2009, Minucci_2016). The variant was reported to co-occur in cis with variant c.7008-2A>T in many (e.g., Azzollini_2016, Colombo_2009, Gaildrat_2012, Pensabene_2009) but not all (e.g., Minucci_2016) of the reported individuals. These data indicate that the variant is very likely to be associated with disease. The following publications have been ascertained in the context of this evaluation (PMID: 22009639, 23451180, 12960223, 22962691, 19542536, 19179552, 19423647, 27062684, 27125725). Eight submitters have reported clinical-significance assessments for this variant to ClinVar after 2014. All submitters classified the variant as pathogenic. Based on the evidence outlined above, the variant was classified as pathogenic.

GeneDx
Classification: Pathogenic. Last evaluated: 2023-05-05. Review status: criteria provided, single submitter. Criteria: GeneDx Variant Classification Process June 2021. Collection method: clinical testing. Allele origin: germline. Affected: yes.
Comment: Exonic splice site variant demonstrated to result in protein truncation or nonsense mediated decay in a gene for which loss-of-function is a known mechanism of disease (Pensabene at al., 2009; Colombo et al., 2009; Colombo at al., 2013; Gaildrat et al., 2012; Fraile-Bethencourt et al., 2019); Not observed at significant frequency in large population cohorts (gnomAD); Also known as 859G>A; This variant is associated with the following publications: (PMID: 12960223, 21934105, 19542536, 32438681, 32854451, 19179552, 19423647, 22962691, 27125725, 23983145, 20455026, 31512090, 30883759, 32444794, 31336956, 32380732, 32338768, 33810291, 29446198, 30613976, 33287145, 23451180, 35205366, 35411189, 35264596, 32853339)